The following is an entry in ClinVar:

ClinVar aggregate classification (germline): Uncertain significance (1 of 4 stars; one submission).

Allele frequency attached by ClinVar (database versions not stated): gnomAD 0.00001; TOPMed below 0.00001.
gnomAD v4.1: 5 of 1,613,354 alleles (0.00031%); highest among the groups gnomAD compares: Non-Finnish European, 0.00042%; no homozygotes.

Submission:

Labcorp Genetics (formerly Invitae), Labcorp
Classification: Uncertain significance. Last evaluated: 2025-09-12. Review status: criteria provided, single submitter. Criteria: Invitae Variant Classification Sherloc (09022015). Collection method: clinical testing. Allele origin: germline.
Comment: This sequence change replaces proline, which is neutral and non-polar, with alanine, which is neutral and non-polar, at codon 221 of the MICAL1 protein (p.Pro221Ala). This variant is not present in population databases (gnomAD no frequency). This variant has not been reported in the literature in individuals affected with MICAL1-related conditions. ClinVar contains an entry for this variant (Variation ID: 1378055). An algorithm developed to predict the effect of missense changes on protein structure and function (PolyPhen-2) suggests that this variant is likely to be tolerated. In summary, the available evidence is currently insufficient to determine the role of this variant in disease. Therefore, it has been classified as a Variant of Uncertain Significance.

NM_022765.4(MICAL1):c.604C>G (p.Pro202Ala)

Gene: MICAL1 (microtubule associated monooxygenase, calponin and LIM domain containing 1; minus strand). Cytogenetic location: 6q21.
Variant type: single nucleotide variant.
Coding change: c.604C>G on transcript NM_022765.4 (MANE Select); coding-DNA position 604, C replaced by G.
Protein change: p.Pro202Ala; replaces proline 202 with alanine.
Molecular consequence: missense variant.
Genome position (GRCh38, 1-based): chr6:109,452,583, G>C on the plus strand (C>G on the coding strand, the complement: MICAL1 is on the minus strand). VCF-style: chr6-109452583-G-C. GRCh37 (hg19) VCF-style: chr6-109773786-G-C.
Other names: c.604C>G, p.Pro202Ala (NM_001159291.2); c.661C>G, p.Pro221Ala (NM_001286613.2); short protein forms P221A, P202A.
Identifiers: ClinVar variation 1378055 (VCV001378055.6), dbSNP rs1344522893, ClinGen allele CA365232952.